The following is an entry in ClinVar:

NM_001184.4(ATR):c.730A>G (p.Ile244Val)

Gene: ATR (ATR checkpoint kinase; minus strand). Cytogenetic location: 3q23.
Variant type: single nucleotide variant.
Coding change: c.730A>G on transcript NM_001184.4 (MANE Select); coding-DNA position 730, A replaced by G.
Protein change: p.Ile244Val; replaces isoleucine 244 with valine.
Molecular consequence: missense variant.
Genome position (GRCh38, 1-based): chr3:142,562,672, T>C on the plus strand (A>G on the coding strand, the complement: ATR is on the minus strand). VCF-style: chr3-142562672-T-C. GRCh37 (hg19) VCF-style: chr3-142281514-T-C.
Other names: c.730A>G, p.Ile244Val (NM_001354579.2); short protein forms I244V.
Identifiers: ClinVar variation 1758242 (VCV001758242.2), dbSNP rs759884814, ClinGen allele CA84755778.

ClinVar aggregate classification (germline): Uncertain significance (1 of 4 stars; one submission).

Conditions:
Inborn genetic diseases. Identifiers: MedGen C0950123, MeSH D030342.

gnomAD v4.1: 7 of 1,614,094 alleles (0.00043%); highest among the groups gnomAD compares: Non-Finnish European, 0.00059%; no homozygotes.

Submission:

Ambry Genetics
Classification: Uncertain significance for Inborn genetic diseases. Last evaluated: 2023-09-25. Review status: criteria provided, single submitter. Criteria: Ambry Variant Classification Scheme 2023. Collection method: clinical testing. Allele origin: germline.
Comment: The p.I244V variant (also known as c.730A>G), located in coding exon 4 of the ATR gene, results from an A to G substitution at nucleotide position 730. The isoleucine at codon 244 is replaced by valine, an amino acid with highly similar properties. This amino acid position is conserved. In addition, this alteration is predicted to be tolerated by in silico analysis. Since supporting evidence is limited at this time, the clinical significance of this alteration remains unclear.